The following is an entry in ClinVar:

NM_007186.6(CEP250):c.1567C>T (p.Arg523Cys)

Genes: CEP250 (centrosomal protein 250; plus strand), CEP250-AS1 (CEP250 antisense RNA 1; minus strand). Cytogenetic location: 20q11.22.
Variant type: single nucleotide variant.
Coding change: c.1567C>T on transcript NM_007186.6 (MANE Select); coding-DNA position 1567, C replaced by T.
Protein change: p.Arg523Cys; replaces arginine 523 with cysteine.
Molecular consequence: missense variant. On other transcripts: non-coding transcript variant (7), 5 prime UTR variant (1).
Genome position (GRCh38, 1-based): chr20:35,474,048, C>T. VCF-style: chr20-35474048-C-T. GRCh37 (hg19) VCF-style: chr20-34061873-C-T.
Other names: c.-333C>T (NM_001318219.1); c.1567C>T (NM_007186.3); short protein forms R523C.
Identifiers: ClinVar variation 2712490 (VCV002712490.4), dbSNP rs202093319, ClinGen allele CA9832951.

ClinVar aggregate classification (germline): Uncertain significance. Review status: criteria provided, multiple submitters, no conflicts (2 of 4 stars). 2 submissions from 2 submitters: Uncertain significance (2). Last evaluated 2023-09-22.

Allele frequency attached by ClinVar (database versions not stated): gnomAD 0.00002; TOPMed 0.00003; ExAC 0.00005; 1000 Genomes Project 30x 0.00016; 1000 Genomes Project 0.00020.
gnomAD v4.1: 19 of 1,552,248 alleles (0.0012%); highest among the groups gnomAD compares: East Asian, 0.024%; no homozygotes.

Submissions (2):

Ambry Genetics
Classification: Uncertain significance. Last evaluated: 2023-09-22. Review status: criteria provided, single submitter. Criteria: Ambry Variant Classification Scheme 2023. Collection method: clinical testing. Allele origin: germline.

Labcorp Genetics (formerly Invitae), Labcorp
Classification: Uncertain significance. Last evaluated: 2023-08-22. Review status: criteria provided, single submitter. Criteria: Invitae Variant Classification Sherloc (09022015). Collection method: clinical testing. Allele origin: germline.
Comment: In summary, the available evidence is currently insufficient to determine the role of this variant in disease. Therefore, it has been classified as a Variant of Uncertain Significance. Algorithms developed to predict the effect of missense changes on protein structure and function output the following: SIFT: "Not Available"; PolyPhen-2: "Benign"; Align-GVGD: "Not Available". The cysteine amino acid residue is found in multiple mammalian species, which suggests that this missense change does not adversely affect protein function. This variant has not been reported in the literature in individuals affected with CEP250-related conditions. This variant is present in population databases (rs202093319, gnomAD 0.05%). This sequence change replaces arginine, which is basic and polar, with cysteine, which is neutral and slightly polar, at codon 523 of the CEP250 protein (p.Arg523Cys).